The following is an entry in ClinVar:

NM_000277.3(PAH):c.1066-2A>T

Gene: PAH (phenylalanine hydroxylase; minus strand). Cytogenetic location: 12q23.2.
Variant type: single nucleotide variant.
Coding change: c.1066-2A>T on transcript NM_000277.3 (MANE Select); the canonical splice acceptor site of the intron before coding-DNA position 1066, A replaced by T.
Molecular consequence: splice acceptor variant.
Genome position (GRCh38, 1-based): chr12:102,843,781, T>A on the plus strand (A>T on the coding strand, the complement: PAH is on the minus strand). VCF-style: chr12-102843781-T-A. GRCh37 (hg19) VCF-style: chr12-103237559-T-A.
Other names: NM_000277.2(PAH):c.1066-2A>T; c.1066-2A>T (NM_001354304.2).
Identifiers: ClinVar variation 120258 (VCV000120258.4), dbSNP rs281865447, ClinGen allele CA267625.
Genomic context (GRCh38, chr12:102,843,781, plus strand): 5'-TGGATGGCTGTCTTCTCCAGCTCCAGGGGGAGAAGCTTTGGCTTCTCTGATAAGCAGTAC[T>A]GTAGGCCCCAAGTGAAAAGTTATTATCACTGTTAAATCAGGATCAGTATTCCCTGCTGCA-3'

ClinVar aggregate classification (germline): Pathogenic. Review status: reviewed by expert panel (3 of 4 stars). 3 submissions from 3 submitters: Pathogenic (1). 2 of the submissions do not count toward it. Last evaluated 2018-12-09.

Conditions:
Phenylketonuria (PKU). Also called: Phenylketonuria (PKU); FOLLING DISEASE; OLIGOPHRENIA PHENYLPYRUVICA; Phenylketonurias. Identifiers: Orphanet 716, MedGen C0031485, MONDO:0009861, OMIM 261600. Disease mechanism: loss of function.

gnomAD v4.1: 1 of 1,613,666 alleles (0.000062%); highest among the groups gnomAD compares: East Asian, 0.0022%; no homozygotes.

Submissions (3):

ClinGen PAH Variant Curation Expert Panel
Classification: Pathogenic for Phenylketonuria. Last evaluated: 2018-12-09. Review status: reviewed by expert panel. Criteria: ClinGen PAH ACMG Specifications v1. Collection method: curation. Allele origin: germline. Inheritance: Autosomal recessive inheritance.
Comment: The c.1066-2A>T variant in PAH is absent from all population databases, is at a canonical splice site in an exon present in all biologically relevant transcripts, and has been identified in a patient in which a defect in BH4 metabolism was excluded as a cause of elevated phenylalanine. PMID: 21307867. In summary, this variant meets criteria to be classified as pathogenic for PAH. PAH-specific ACMG/AMP criteria applied: PP4_Moderate, PVS1, PM2.

Labcorp Genetics (formerly Invitae), Labcorp
Classification: Pathogenic for Phenylketonuria. Last evaluated: 2025-10-15. Review status: criteria provided, single submitter. Criteria: Invitae Variant Classification Sherloc (09022015). Collection method: clinical testing. Allele origin: germline. Not counted in ClinVar's aggregate classification.
Comment: This sequence change affects an acceptor splice site in intron 10 of the PAH gene. It is expected to disrupt RNA splicing. Variants that disrupt the donor or acceptor splice site typically lead to a loss of protein function (PMID: 16199547), and loss-of-function variants in PAH are known to be pathogenic (PMID: 1301187, 9634518). This variant is not present in population databases (gnomAD no frequency). Disruption of this splice site has been observed in individuals with phenylketonuria (PMID: 12655550, 26322415). ClinVar contains an entry for this variant (Variation ID: 120258). Algorithms developed to predict the effect of sequence changes on RNA splicing suggest that this variant may disrupt the consensus splice site. For these reasons, this variant has been classified as Pathogenic.

Inserm U 954, Faculté de Médecine de Nancy
Classification: Likely pathogenic for Phenylketonuria. Review status: no assertion criteria provided. Collection method: not provided. Allele origin: unknown. Not counted in ClinVar's aggregate classification.
ClinVar note: Converted during submission from probable-pathogenic to Likely pathogenic.

Literature cited by the submitters: PubMed 21307867 (cited by ClinGen PAH Variant Curation Expert Panel); PubMed 16199547 (cited by Labcorp Genetics (formerly Invitae), Labcorp); PubMed 1301187 (cited by Labcorp Genetics (formerly Invitae), Labcorp); PubMed 9634518 (cited by Labcorp Genetics (formerly Invitae), Labcorp); PubMed 12655550 (cited by Labcorp Genetics (formerly Invitae), Labcorp); PubMed 26322415 (cited by Labcorp Genetics (formerly Invitae), Labcorp).